The following is an entry in ClinVar:

ClinVar aggregate classification (germline): Uncertain significance. Review status: criteria provided, multiple submitters, no conflicts (2 of 4 stars). 2 submissions from 2 submitters: Uncertain significance (2). Last evaluated 2021-09-07.

Conditions:
Walker-Warburg congenital muscular dystrophy. Also called: Muscular dystrophy-dystroglycanopathy, type A; Walker-Warburg syndrome. Identifiers: Orphanet 899, MedGen C0265221, MONDO:0000171.

Allele frequency attached by ClinVar (database versions not stated): ExAC below 0.00001.

Submissions (2):

Labcorp Genetics (formerly Invitae), Labcorp
Classification: Uncertain significance for Walker-Warburg congenital muscular dystrophy. Last evaluated: 2021-09-07. Review status: criteria provided, single submitter. Criteria: Invitae Variant Classification Sherloc (09022015). Collection method: clinical testing. Allele origin: germline.
Comment: This sequence change replaces leucine with valine at codon 171 of the FKRP protein (p.Leu171Val). The leucine residue is highly conserved and there is a small physicochemical difference between leucine and valine. The frequency data for this variant in the population databases is considered unreliable, as metrics indicate poor data quality at this position in the ExAC database. This variant has not been reported in the literature in individuals affected with FKRP-related conditions. Algorithms developed to predict the effect of missense changes on protein structure and function are either unavailable or do not agree on the potential impact of this missense change (SIFT: "Deleterious"; PolyPhen-2: "Probably Damaging"; Align-GVGD: "Class C0"). In summary, the available evidence is currently insufficient to determine the role of this variant in disease. Therefore, it has been classified as a Variant of Uncertain Significance.

GeneDx
Classification: Uncertain significance. Last evaluated: 2016-12-15. Review status: criteria provided, single submitter. Criteria: GeneDx Variant Classification (06012015). Collection method: clinical testing. Allele origin: germline. Affected: yes.
Comment: The L171V variant of uncertain significance in the FKRP gene has not been published as a pathogenic variant, nor has it been reported as a benign variant to our knowledge. L171V was not observed in approximately 5,700 individuals of European and African American ancestry in the NHLBI Exome Sequencing Project (average read depth 4X), nor was it observed in the Exome Aggregation Consortium (ExAC), indicating it is not a common benign variant in these populations. The L171V variant is a conservative amino acid substitution, which is not likely to impact secondary protein structure as these residues share similar properties. And while this substitution occurs at a position that is highly conserved across species, V171 is the native amino acid residue in at least one species. Nevertheless, in silico analysis predicts this variant is probably damaging to the protein structure/function.Therefore, based on the currently available information, it is unclear whether this variant is pathogenic or rare benign. This result cannot be interpreted for diagnosis or used for family member screening at this time.

NM_024301.5(FKRP):c.511C>G (p.Leu171Val)

Gene: FKRP (fukutin related protein; plus strand). Cytogenetic location: 19q13.32.
Variant type: single nucleotide variant.
Coding change: c.511C>G on transcript NM_024301.5 (MANE Select); coding-DNA position 511, C replaced by G.
Protein change: p.Leu171Val; replaces leucine 171 with valine.
Molecular consequence: missense variant.
Genome position (GRCh38, 1-based): chr19:46,755,961, C>G. VCF-style: chr19-46755961-C-G. GRCh37 (hg19) VCF-style: chr19-47259218-C-G.
Other names: c.511C>G, p.Leu171Val (NM_001039885.3); short protein forms L171V.
Identifiers: ClinVar variation 391769 (VCV000391769.7), dbSNP rs766747690, ClinGen allele CA9532157.